The following is an entry in ClinVar:

NM_001458.5(FLNC):c.8165T>C (p.Val2722Ala)

Genes: FLNC (filamin C; plus strand), FLNC-AS1 (FLNC antisense RNA 1; minus strand). Cytogenetic location: 7q32.1.
Variant type: single nucleotide variant.
Coding change: c.8165T>C on transcript NM_001458.5 (MANE Select); coding-DNA position 8165, T replaced by C.
Protein change: p.Val2722Ala; replaces valine 2722 with alanine.
Molecular consequence: missense variant.
Genome position (GRCh38, 1-based): chr7:128,858,510, T>C. VCF-style: chr7-128858510-T-C. GRCh37 (hg19) VCF-style: chr7-128498564-T-C.
Other names: c.8066T>C, p.Val2689Ala (NM_001127487.2); short protein forms V2722A, V2689A.
Identifiers: ClinVar variation 4258308 (VCV004258308.2).

ClinVar aggregate classification (germline): Uncertain significance. Review status: criteria provided, multiple submitters, no conflicts (2 of 4 stars). 2 submissions from 2 submitters: Uncertain significance (2). Last evaluated 2025-08-29.

Conditions:
Distal myopathy with posterior leg and anterior hand involvement. Also called: WILLIAMS DISTAL MYOPATHY. Identifiers: Orphanet 63273, MedGen C3279722, MONDO:0013550, OMIM 614065.
Myofibrillar myopathy 5. Also called: Filaminopathy (type); FILAMINOPATHY, AUTOSOMAL DOMINANT. Identifiers: Orphanet 171445, MedGen C1836050, MONDO:0012289, OMIM 609524.
Hypertrophic cardiomyopathy 26. Also called: Cardiomyopathy, familial hypertrophic, 26. Identifiers: Orphanet 75249, MedGen C4310749, MONDO:0014883, OMIM 617047.
Cardiovascular phenotype. Identifiers: MedGen CN230736.

gnomAD v4.1: 16 of 1,613,030 alleles (0.00099%); highest among the groups gnomAD compares: East Asian, 0.036%; no homozygotes.

Submissions (2):

Labcorp Genetics (formerly Invitae), Labcorp
Classification: Uncertain significance for Distal myopathy with posterior leg and anterior hand involvement; Myofibrillar myopathy 5; Hypertrophic cardiomyopathy 26. Last evaluated: 2025-08-29. Review status: criteria provided, single submitter. Criteria: Invitae Variant Classification Sherloc (09022015). Collection method: clinical testing. Allele origin: germline.
Comment: This sequence change replaces valine, which is neutral and non-polar, with alanine, which is neutral and non-polar, at codon 2722 of the FLNC protein (p.Val2722Ala). This variant is present in population databases (no rsID available, gnomAD 0.02%). This variant has not been reported in the literature in individuals affected with FLNC-related conditions. Invitae Evidence Modeling of protein sequence and biophysical properties (such as structural, functional, and spatial information, amino acid conservation, physicochemical variation, residue mobility, and thermodynamic stability) indicates that this missense variant is not expected to disrupt FLNC protein function with a negative predictive value of 80%. In summary, the available evidence is currently insufficient to determine the role of this variant in disease. Therefore, it has been classified as a Variant of Uncertain Significance.

Ambry Genetics
Classification: Uncertain significance for Cardiovascular phenotype. Last evaluated: 2025-08-23. Review status: criteria provided, single submitter. Criteria: Ambry Variant Classification Scheme 2023. Collection method: clinical testing. Allele origin: germline.